The following is an entry in ClinVar:

NM_006231.4(POLE):c.1772A>T (p.Glu591Val)

Gene: POLE (DNA polymerase epsilon, catalytic subunit; minus strand). Cytogenetic location: 12q24.33.
Variant type: single nucleotide variant.
Coding change: c.1772A>T on transcript NM_006231.4 (MANE Select); coding-DNA position 1772, A replaced by T.
Protein change: p.Glu591Val; replaces glutamic acid 591 with valine.
Molecular consequence: missense variant.
Genome position (GRCh38, 1-based): chr12:132,672,237, T>A on the plus strand (A>T on the coding strand, the complement: POLE is on the minus strand). VCF-style: chr12-132672237-T-A. GRCh37 (hg19) VCF-style: chr12-133248823-T-A.
Other names: short protein forms E591V.
Identifiers: ClinVar variation 2086644 (VCV002086644.4), dbSNP rs1555228119, ClinGen allele CA387356250.
Genomic context (GRCh38, chr12:132,672,237, plus strand): 5'-AAACACAGACTGGCTCTTCCTGCCTCCCTGATGGTTACCTCTTCAAAGTTGGTGACTTGC[T>A]CCACAGGCACTTTCTCCTCTTCCTCAAGGGCGTGGCGCAAGGTCTTCTCAACCCGCTGCA-3'
Protein context (NP_006222.2, residues 581-601): ALEEEEKVPV[Glu591Val]QVTNFEEVCD

ClinVar aggregate classification (germline): Uncertain significance (1 of 4 stars; one submission).

Submission:

Labcorp Genetics (formerly Invitae), Labcorp
Classification: Uncertain significance. Last evaluated: 2022-01-17. Review status: criteria provided, single submitter. Criteria: Invitae Variant Classification Sherloc (09022015). Collection method: clinical testing. Allele origin: germline.
Comment: This sequence change replaces glutamic acid, which is acidic and polar, with valine, which is neutral and non-polar, at codon 591 of the POLE protein (p.Glu591Val). This variant is not present in population databases (gnomAD no frequency). This variant has not been reported in the literature in individuals affected with POLE-related conditions. Algorithms developed to predict the effect of missense changes on protein structure and function are either unavailable or do not agree on the potential impact of this missense change (SIFT: "Deleterious"; PolyPhen-2: "Benign"; Align-GVGD: "Class C15"). In summary, the available evidence is currently insufficient to determine the role of this variant in disease. Therefore, it has been classified as a Variant of Uncertain Significance.